The following is an entry in ClinVar:

NM_001040108.2(MLH3):c.4048C>T (p.Pro1350Ser)

Gene: MLH3 (mutL homolog 3; minus strand). Cytogenetic location: 14q24.3.
Variant type: single nucleotide variant.
Coding change: c.4048C>T on transcript NM_001040108.2 (MANE Select); coding-DNA position 4048, C replaced by T.
Protein change: p.Pro1350Ser; replaces proline 1350 with serine.
Molecular consequence: missense variant.
Genome position (GRCh38, 1-based): chr14:75,022,856, G>A on the plus strand (C>T on the coding strand, the complement: MLH3 is on the minus strand). VCF-style: chr14-75022856-G-A. GRCh37 (hg19) VCF-style: chr14-75489559-G-A.
Other names: c.3976C>T, p.Pro1326Ser (NM_014381.3); short protein forms P1326S, P1350S.
Identifiers: ClinVar variation 4055511 (VCV004055511.1).
Genomic context (GRCh38, chr14:75,022,856, plus strand): 5'-CTATGTTGAAGGGCTTACCATGGCAGGCTTGGGATGCCAACACCTTCTGGACAGTCAGTG[G>A]CAATGTCCCTTGGATGCCTCCGGTGGTCTGGAGTAGCTAATGCATAAACACGTTATTAAC-3'
Protein context (NP_001035197.1, residues 1340-1360): QTTGGIQGTL[Pro1350Ser]LTVQKVLASQ

ClinVar aggregate classification (germline): Uncertain significance (1 of 4 stars; one submission).

Submission:

Ambry Genetics
Classification: Uncertain significance. Last evaluated: 2025-05-27. Review status: criteria provided, single submitter. Criteria: Ambry Variant Classification Scheme 2023. Collection method: clinical testing. Allele origin: germline.
Comment: The p.P1350S variant (also known as c.4048C>T), located in coding exon 10 of the MLH3 gene, results from a C to T substitution at nucleotide position 4048. The proline at codon 1350 is replaced by serine, an amino acid with similar properties. This amino acid position is conserved. In addition, this alteration is predicted to be deleterious by in silico analysis. Based on the available evidence, the clinical significance of this variant remains unclear.